The following is an entry in ClinVar:

NM_001458.5(FLNC):c.3257_3258delinsTA (p.Asp1086Val)

Gene: FLNC (filamin C; plus strand). Cytogenetic location: 7q32.1.
Variant type: Indel.
Coding change: c.3257_3258delinsTA on transcript NM_001458.5 (MANE Select); coding-DNA positions 3257 to 3258, AC replaced by TA.
Protein change: p.Asp1086Val; replaces aspartic acid 1086 with valine.
Molecular consequence: missense variant.
Genome position (GRCh38, 1-based): chr7:128,844,722-128,844,723, AC replaced by TA. VCF-style: chr7-128844722-AC-TA. GRCh37 (hg19) VCF-style: chr7-128484776-AC-TA.
Other names: c.3257_3258delinsTA, p.Asp1086Val (NM_001127487.2); c.3257_3258delACinsTA (NM_001458.4); c.3257_3258delinsTA (NM_001458.4); short protein forms D1086V.
Identifiers: ClinVar variation 1489162 (VCV001489162.8), dbSNP rs2128936367, ClinGen allele CA2573141729.
Genomic context (GRCh38, chr7:128,844,722, plus strand): 5'-GTGCTTATGGCCCGGGTCTCAAGGGTGGACTGGTAGGCACCCCCGCGCCATTCTCCATCG[AC>TA]ACCAAGGGGGCTGGCACAGGTGGCCTGGGGCTGACCGTAGAGGGCCCCTGCGAGGCCAAG-3'
Protein context (NP_001449.3, residues 1076-1096): LVGTPAPFSI[Asp1086Val]TKGAGTGGLG

ClinVar aggregate classification (germline): Uncertain significance. Review status: criteria provided, multiple submitters, no conflicts (2 of 4 stars). 3 submissions from 3 submitters: Uncertain significance (3). Last evaluated 2024-05-22.

Conditions:
Cardiovascular phenotype. Identifiers: MedGen CN230736.
Myofibrillar myopathy 5. Also called: FILAMINOPATHY, AUTOSOMAL DOMINANT; Filaminopathy (type). Identifiers: Orphanet 171445, MedGen C1836050, MONDO:0012289, OMIM 609524.
Distal myopathy with posterior leg and anterior hand involvement. Also called: WILLIAMS DISTAL MYOPATHY. Identifiers: Orphanet 63273, MedGen C3279722, MONDO:0013550, OMIM 614065.
Hypertrophic cardiomyopathy 26. Also called: Cardiomyopathy, familial hypertrophic, 26. Identifiers: Orphanet 75249, MedGen C4310749, MONDO:0014883, OMIM 617047.

Submissions (3):

GeneDx
Classification: Uncertain significance. Last evaluated: 2024-05-22. Review status: criteria provided, single submitter. Criteria: GeneDx Variant Classification Process June 2021. Collection method: clinical testing. Allele origin: germline. Affected: yes.
Comment: Has not been previously published as pathogenic or benign to our knowledge; Not observed at significant frequency in large population cohorts (gnomAD); In silico analysis supports a deleterious effect on protein structure/function

Ambry Genetics
Classification: Uncertain significance for Cardiovascular phenotype. Last evaluated: 2024-05-09. Review status: criteria provided, single submitter. Criteria: Ambry Variant Classification Scheme 2023. Collection method: clinical testing. Allele origin: germline.
Comment: The c.3257_3258delACinsTA variant (also known as p.D1086V), located in coding exon 21 of the FLNC gene, results from an in-frame deletion of AC and insertion of TA at nucleotide positions 3257 to 3258. This results in the substitution of the aspartic acid residue for a valine residue at codon 1086, an amino acid with highly dissimilar properties. This amino acid position is highly conserved in available vertebrate species. In addition, this alteration is predicted to be deleterious by in silico analysis. Based on data from gnomAD, this allele has an overall frequency of 0.0004% (1/249200) total alleles studied. The highest observed frequency was 0.0009% (1/113102) of European (non-Finnish) alleles. Based on the available evidence, the clinical significance of this variant remains unclear.

Labcorp Genetics (formerly Invitae), Labcorp
Classification: Uncertain significance for Distal myopathy with posterior leg and anterior hand involvement; Myofibrillar myopathy 5; Hypertrophic cardiomyopathy 26. Last evaluated: 2021-10-14. Review status: criteria provided, single submitter. Criteria: Invitae Variant Classification Sherloc (09022015). Collection method: clinical testing. Allele origin: germline.
Comment: Algorithms developed to predict the effect of missense changes on protein structure and function are either unavailable or do not agree on the potential impact of this missense change (SIFT: "Not Available"; PolyPhen-2: "Probably Damaging"; Align-GVGD: "Not Available"). In summary, the available evidence is currently insufficient to determine the role of this variant in disease. Therefore, it has been classified as a Variant of Uncertain Significance. Algorithms developed to predict the effect of sequence changes on RNA splicing suggest that this variant may create or strengthen a splice site. This variant has not been reported in the literature in individuals affected with FLNC-related conditions. This sequence change replaces aspartic acid with valine at codon 1086 of the FLNC protein (p.Asp1086Val). The aspartic acid residue is highly conserved and there is a large physicochemical difference between aspartic acid and valine.